The following is an entry in ClinVar:

ClinVar aggregate classification (germline): Uncertain significance (1 of 4 stars; one submission).

Allele frequency attached by ClinVar (database versions not stated): gnomAD exomes below 0.00001.
gnomAD v4.1: 1 of 1,613,876 alleles (0.000062%); highest among the groups gnomAD compares: Non-Finnish European, 0.000085%; no homozygotes.

Submission:

Labcorp Genetics (formerly Invitae), Labcorp
Classification: Uncertain significance. Last evaluated: 2023-10-03. Review status: criteria provided, single submitter. Criteria: Invitae Variant Classification Sherloc (09022015). Collection method: clinical testing. Allele origin: germline.
Comment: This sequence change replaces valine, which is neutral and non-polar, with methionine, which is neutral and non-polar, at codon 235 of the FOXP1 protein (p.Val235Met). This variant is not present in population databases (gnomAD no frequency). This variant has not been reported in the literature in individuals affected with FOXP1-related conditions. Advanced modeling of protein sequence and biophysical properties (such as structural, functional, and spatial information, amino acid conservation, physicochemical variation, residue mobility, and thermodynamic stability) performed at Invitae indicates that this missense variant is not expected to disrupt FOXP1 protein function. In summary, the available evidence is currently insufficient to determine the role of this variant in disease. Therefore, it has been classified as a Variant of Uncertain Significance.

NM_001349338.3(FOXP1):c.703G>A (p.Val235Met)

Gene: FOXP1 (forkhead box P1; minus strand). Cytogenetic location: 3p13.
Variant type: single nucleotide variant.
Coding change: c.703G>A on transcript NM_001349338.3 (MANE Select); coding-DNA position 703, G replaced by A.
Protein change: p.Val235Met; replaces valine 235 with methionine.
Molecular consequence: missense variant. On other transcripts: non-coding transcript variant (2).
Genome position (GRCh38, 1-based): chr3:71,041,494, C>T on the plus strand (G>A on the coding strand, the complement: FOXP1 is on the minus strand). VCF-style: chr3-71041494-C-T. GRCh37 (hg19) VCF-style: chr3-71090645-C-T.
Other names: c.703G>A, p.Val235Met (NM_001244808.3, NM_001244810.2, NM_001244814.3 and 4 more transcripts); c.475G>A, p.Val159Met (NM_001244812.3); c.403G>A, p.Val135Met (NM_001244813.3, NM_001244815.2, NM_001349342.3 and 1 more transcripts); c.400G>A, p.Val134Met (NM_001349337.2, NM_001349343.3, NM_001349344.3); c.700G>A, p.Val234Met (NM_001349341.3); short protein forms V134M, V235M, V135M, V234M, V159M.
Identifiers: ClinVar variation 2962240 (VCV002962240.3), dbSNP rs2048330585, ClinGen allele CA353562902.